The following is an entry in ClinVar:

NM_006904.7(PRKDC):c.3322A>G (p.Met1108Val)

Gene: PRKDC (protein kinase, DNA-activated, catalytic subunit; minus strand). Cytogenetic location: 8q11.21.
Variant type: single nucleotide variant.
Coding change: c.3322A>G on transcript NM_006904.7 (MANE Select); coding-DNA position 3322, A replaced by G.
Protein change: p.Met1108Val; replaces methionine 1108 with valine.
Molecular consequence: missense variant.
Genome position (GRCh38, 1-based): chr8:47,900,415, T>C on the plus strand (A>G on the coding strand, the complement: PRKDC is on the minus strand). VCF-style: chr8-47900415-T-C. GRCh37 (hg19) VCF-style: chr8-48812975-T-C.
Other names: c.3322A>G, p.Met1108Val (NM_001081640.2); short protein forms M1108V.
Identifiers: ClinVar variation 1730211 (VCV001730211.2), dbSNP rs2089657693, ClinGen allele CA371155645.

ClinVar aggregate classification (germline): Uncertain significance (1 of 4 stars; one submission).

Allele frequency attached by ClinVar (database versions not stated): gnomAD exomes below 0.00001; gnomAD 0.00001.

Submission:

Ambry Genetics
Classification: Uncertain significance. Last evaluated: 2022-08-29. Review status: criteria provided, single submitter. Criteria: Ambry Variant Classification Scheme 2023. Collection method: clinical testing. Allele origin: germline.
Comment: The p.M1108V variant (also known as c.3322A>G), located in coding exon 28 of the PRKDC gene, results from an A to G substitution at nucleotide position 3322. The methionine at codon 1108 is replaced by valine, an amino acid with highly similar properties. This amino acid position is conserved. In addition, this alteration is predicted to be tolerated by in silico analysis. Since supporting evidence is limited at this time, the clinical significance of this alteration remains unclear.